The following is an entry in ClinVar:

NM_001099289.3(SH3RF3):c.2287G>C (p.Glu763Gln)

Genes: RANBP2 (RAN binding protein 2; plus strand), SH3RF3 (SH3 domain containing ring finger 3; plus strand). Cytogenetic location: 2q13.
Variant type: single nucleotide variant.
Coding change: c.2287G>C on transcript NM_001099289.3 (MANE Select); coding-DNA position 2287, G replaced by C.
Protein change: p.Glu763Gln; replaces glutamic acid 763 with glutamine.
Molecular consequence: missense variant.
Genome position (GRCh38, 1-based): chr2:109,490,743, G>C. VCF-style: chr2-109490743-G-C. GRCh37 (hg19) VCF-style: chr2-110107199-G-C.
Other names: short protein forms E763Q.
Identifiers: ClinVar variation 3318135 (VCV003318135.1).

ClinVar aggregate classification (germline): Uncertain significance (1 of 4 stars; one submission).

gnomAD v4.1: 6 of 1,536,348 alleles (0.00039%); highest among the groups gnomAD compares: East Asian, 0.015%; no homozygotes.

Submission:

Ambry Genetics
Classification: Uncertain significance. Last evaluated: 2024-03-31. Review status: criteria provided, single submitter. Criteria: Ambry Variant Classification Scheme 2023. Collection method: clinical testing. Allele origin: germline.
Comment: The c.2287G>C (p.E763Q) alteration is located in exon (coding exon ) of the SH3RF3 gene. This alteration results from a G to C substitution at nucleotide position 2287, causing the glutamic acid (E) at amino acid position 763 to be replaced by a glutamine (Q). Based on insufficient or conflicting evidence, the clinical significance of this alteration remains unclear.